The following is an entry in ClinVar:

NM_000264.5(PTCH1):c.1195T>A (p.Trp399Arg)

Gene: PTCH1 (patched 1; minus strand). Cytogenetic location: 9q22.32.
Variant type: single nucleotide variant.
Coding change: c.1195T>A on transcript NM_000264.5 (MANE Select); coding-DNA position 1195, T replaced by A.
Protein change: p.Trp399Arg; replaces tryptophan 399 with arginine.
Molecular consequence: missense variant. On other transcripts: non-coding transcript variant (1).
Genome position (GRCh38, 1-based): chr9:95,479,020, A>T on the plus strand (T>A on the coding strand, the complement: PTCH1 is on the minus strand). VCF-style: chr9-95479020-A-T. GRCh37 (hg19) VCF-style: chr9-98241302-A-T.
Other names: c.997T>A, p.Trp333Arg (NM_001083602.3); c.1192T>A, p.Trp398Arg (NM_001083603.3); c.742T>A, p.Trp248Arg (NM_001083604.3, NM_001083605.3, NM_001083606.3 and 1 more transcripts); c.1195T>A, p.Trp399Arg (NM_001354918.2); short protein forms W248R, W333R, W398R, W399R.
Identifiers: ClinVar variation 1313200 (VCV001313200.3), dbSNP rs2118364438, ClinGen allele CA374119251.

ClinVar aggregate classification (germline): Uncertain significance (1 of 4 stars; one submission).

Submission:

GeneDx
Classification: Uncertain significance. Last evaluated: 2025-01-17. Review status: criteria provided, single submitter. Criteria: GeneDx Variant Classification Process June 2021. Collection method: clinical testing. Allele origin: germline. Affected: yes.
Comment: Not observed at significant frequency in large population cohorts (gnomAD); In silico analysis supports that this missense variant has a deleterious effect on protein structure/function; Has not been previously published as pathogenic or benign to our knowledge; This variant is associated with the following publications: (PMID: 8906794, 27535533)